The following is an entry in ClinVar:

ClinVar aggregate classification (germline): Pathogenic/Likely pathogenic. Review status: criteria provided, multiple submitters, no conflicts (2 of 4 stars). 18 submissions from 17 submitters: Pathogenic (11); Likely pathogenic (5). 2 of the submissions do not count toward it. Last evaluated 2026-02-11.

Conditions:
CBS-related disorder. Also called: CBS-related condition.
Homocystinuria. Identifiers: MedGen C0019880, MONDO:0004737, HP:0002156.
Familial thoracic aortic aneurysm and aortic dissection (TAAD). Also called: Thoracic aortic aneurysms and dissections. Identifiers: Orphanet 91387, MedGen C4707243, MONDO:0019625.
Classic homocystinuria. Also called: HOMOCYSTINURIA WITH OR WITHOUT RESPONSE TO PYRIDOXINE; Homocystinuria due to CBS deficiency; Cystathionine beta-synthase deficiency; CBS deficiency; Homocystinuria due to Cystathionine Beta-Synthase Deficiency. Identifiers: Orphanet 394, MedGen C0751202, MONDO:0009352, OMIM 236200.
Homocystinuria, pyridoxine-responsive. Identifiers: MedGen C3502110.
HYPERHOMOCYSTEINEMIA, THROMBOTIC, CBS-RELATED. Identifiers: MedGen C3150344, OMIM 236200.

Allele frequency attached by ClinVar (database versions not stated): gnomAD 0.00026; ExAC 0.00030; gnomAD exomes 0.00033; 1000 Genomes Project 0.00040.

Submissions 1 to 9 of 18:

PreventionGenetics, part of Exact Sciences
Classification: Pathogenic for CBS-related condition. Last evaluated: 2026-02-11. Review status: criteria provided, single submitter. Criteria: ACMG Guidelines, 2015. Collection method: clinical testing. Allele origin: germline.
Comment: The CBS c.1330G>A variant is predicted to result in the amino acid substitution p.Asp444Asn. This variant has been reported to be causative for homocystinuria (Kluijtmans et al. 1999. PubMed ID: 10364517; Cozar et al. 2011. PubMed ID: 21520339). This variant is reported in 0.13% of alleles in individuals of Latino descent in gnomAD. This variant is interpreted as pathogenic.

Labcorp Genetics (formerly Invitae), Labcorp
Classification: Pathogenic for HYPERHOMOCYSTEINEMIA, THROMBOTIC, CBS-RELATED. Last evaluated: 2026-01-25. Review status: criteria provided, single submitter. Criteria: Invitae Variant Classification Sherloc (09022015). Collection method: clinical testing. Allele origin: germline.
Comment: This sequence change replaces aspartic acid, which is acidic and polar, with asparagine, which is neutral and polar, at codon 444 of the CBS protein (p.Asp444Asn). This variant is present in population databases (rs28934891, gnomAD 0.1%). This missense change has been observed in individual(s) with homocystinuria (PMID: 8755636, 14972327, 16479318, 21520339). In at least one individual the data is consistent with being in trans (on the opposite chromosome) from a pathogenic variant. ClinVar contains an entry for this variant (Variation ID: 126). Invitae Evidence Modeling of protein sequence and biophysical properties (such as structural, functional, and spatial information, amino acid conservation, physicochemical variation, residue mobility, and thermodynamic stability) indicates that this missense variant is expected to disrupt CBS protein function with a positive predictive value of 95%. Experimental studies have shown that this missense change affects CBS function (PMID: 8755636, 14722619, 20490928, 20506325, 22069143, 25044645). For these reasons, this variant has been classified as Pathogenic.

Natera, Inc.
Classification: Pathogenic for Homocystinuria due to cystathionine beta-synthase deficiency. Last evaluated: 2025-10-26. Review status: criteria provided, single submitter. Criteria: Natera Variant Classification Schema (03/2026). Collection method: clinical testing. Allele origin: germline.
Comment: The c.1330G>A variant in CBS is a missense variant predicted to cause substitution of aspartic acid to asparagine at amino acid 444. This variant is rare in the general population with a frequency below the threshold expected for the associated phenotype(s). This variant has been observed in one or more individuals affected with the associated recessive disease, as either homozygous or compound heterozygous with a second variant (PMID: 27243974, 21520339, 12007221, 10364517, 14972327). Additionally, this variant has been observed to segregate in affected family members (PMID: 14972327). Computational prediction algorithms indicate this variant is likely to affect gene or protein function. Given the available evidence, this variant is classified as Pathogenic.

First Genomix Gene Laboratory, Genetic Diagnostics Department
Classification: Pathogenic for Classic homocystinuria. Last evaluated: 2025-09-15. Review status: criteria provided, single submitter. Criteria: ACMG Guidelines, 2015. Collection method: clinical testing. Allele origin: germline. Inheritance: Autosomal recessive inheritance. Affected: no. Observed: 1 variant allele.

3billion
Classification: Pathogenic for Classic homocystinuria. Last evaluated: 2025-08-28. Review status: criteria provided, single submitter. Criteria: ACMG Guidelines, 2015. Collection method: clinical testing. Allele origin: germline. Affected: yes.
Comment: The variant is not observed in the gnomAD v4.1.0 dataset. Predicted Consequence/Location: Missense variant Functional studies provide strong evidence of the variant having a damaging effect on the gene or gene product (PMID: 22069143, 25044645, 8755636). In silico tool predictions suggest damaging effect of the variant on gene or gene product [REVEL: 0.60 (>=0.6, sensitivity 0.68 and specificity 0.92); 3Cnet: 0.99 (> 0.75, sensitivity 0.96 and precision 0.92)]. The same nucleotide change resulting in the same amino acid change has been previously reported as pathogenic/likely pathogenic with strong evidence (ClinVar ID: VCV000000126 /PMID: 8755636). The variant has been observed in multiple (>3) similarly affected unrelated individuals (PMID: 14972327, 21520339, 8755636). The variant has been reported to be in trans with a pathogenic variant as either compound heterozygous or homozygous in at least 4 similarly affected unrelated individuals (PMID: 14972327, 21520339, 8755636). The variant has been reported to co-segregate with the disease in at least one similarly affected relative/individual in the same family or similarly affected unrelated families (PMID: 14972327). A different missense change at the same codon (p.Asp444Tyr) has been reported to be associated with CBS-related disorder (PMID: 29326875). Therefore, this variant is classified as Pathogenic according to the recommendation of ACMG/AMP guideline.

Mayo Clinic Laboratories, Mayo Clinic
Classification: Pathogenic. Last evaluated: 2025-07-29. Review status: criteria provided, single submitter. Criteria: ACMG Guidelines, 2015. Collection method: clinical testing. Allele origin: germline. Observed: 2 variant alleles.
Comment: PP1, PM3_strong, PS3, PS4

Ambry Genetics
Classification: Likely pathogenic for Familial thoracic aortic aneurysm and aortic dissection. Last evaluated: 2025-03-06. Review status: criteria provided, single submitter. Criteria: Ambry Variant Classification Scheme 2023. Collection method: clinical testing. Allele origin: germline.
Comment: The p.D444N variant (also known as c.1330G>A), located in coding exon 12 of the CBS gene, results from a G to A substitution at nucleotide position 1330. The aspartic acid at codon 444 is replaced by asparagine, an amino acid with highly similar properties. This alteration has been reported in both the compound heterozygous and homozygous states in subjects with pyridoxine responsive homocystinuria (Kluijtmans LA et al. J. Clin. Invest., 1996 Jul;98:285-9; De Lucca M et al. Mol. Genet. Metab., 2004 Mar;81:209-15; Urreizti R et al. J. Hum. Genet., 2006 Feb;51:305-13; S&oslash;rensen JT et al. Mol. Genet. Metab., 2016 Mar;117:344-50). Although exhibiting high level of enzyme activity in in vitro assays (Kozich V et al. Hum. Mutat., 2010 Jul;31:809-19; Mayfield JA et al. Genetics, 2012 Apr;190:1309-23; Mendes MI et al. Hum. Mutat., 2014 Oct;35:1195-202), this alteration has been reported to render the mutant protein unresponsive to the allosteric regulator S-adenosylmethionine, which could subsequently affect protein stability and function (Kluijtmans LA et al. J. Clin. Invest., 1996 Jul;98:285-9; Evande R et al. Biochemistry, 2002 Oct;41:11832-7; Scott JW et al. J. Clin. Invest., 2004 Jan;113:274-84; Mendes MI et al. Hum. Mutat., 2014 Oct;35:1195-202). This amino acid position is highly conserved in available vertebrate species. In addition, the in silico prediction for this alteration is inconclusive. Based on the majority of available evidence to date, this variant is likely to be pathogenic.

Blueprint Genetics
Classification: Pathogenic for CBS-related disorders. Last evaluated: 2024-07-02. Review status: criteria provided, single submitter. Criteria: ACMG Guidelines, 2015. Collection method: clinical testing. Allele origin: germline. Affected: yes. Observed: 5 variant alleles.

Baylor Genetics
Classification: Likely pathogenic for Classic homocystinuria. Last evaluated: 2024-03-29. Review status: criteria provided, single submitter. Criteria: ACMG Guidelines, 2015. Collection method: clinical testing. Allele origin: unknown.

NM_000071.3(CBS):c.1330G>A (p.Asp444Asn)

Gene: CBS (cystathionine beta-synthase; minus strand). Cytogenetic location: 21q22.3.
Variant type: single nucleotide variant.
Coding change: c.1330G>A on transcript NM_000071.3 (MANE Select); coding-DNA position 1330, G replaced by A.
Protein change: p.Asp444Asn; replaces aspartic acid 444 with asparagine.
Molecular consequence: missense variant.
Genome position (GRCh38, 1-based): chr21:43,058,862, C>T on the plus strand (G>A on the coding strand, the complement: CBS is on the minus strand). VCF-style: chr21-43058862-C-T. GRCh37 (hg19) VCF-style: chr21-44478972-C-T.
Other names: p.D444N:GAC>AAC; NM_000071.2(CBS):c.1330G>A(p.Asp444Asn); NM_001178008.1(CBS):c.1330G>A(p.Asp444Asn); NM_001178009.1(CBS):c.1330G>A(p.Asp444Asn); c.1330G>A, p.Asp444Asn (NM_001178008.3, NM_001178009.3, NM_001320298.2); c.1015G>A, p.Asp339Asn (NM_001321072.1); short protein forms D444N, D339N.
Identifiers: ClinVar variation 126 (VCV000000126.76), dbSNP rs28934891, ClinGen allele CA113893.